The following is an entry in ClinVar:

ClinVar aggregate classification (germline): no classifications from unflagged records (0 of 4 stars; one submission).

Conditions:
Tip-toe gait. Also called: Toe walking. Identifiers: MedGen C0427144, HP:0030051.

Submission:

Practice for Gait Abnormalities, David Pomarino, Competency Network Toe Walking C/o Practice Pomarino
Classification: Likely pathogenic for Tip-toe gait. Last evaluated: 2022-10-07. Review status: flagged submission. Collection method: clinical testing. Allele origin: germline. Affected: yes.
Comment: Hereditary motor sensory neuropathy (HMSN), also known as Charcot-Marie-Tooth Disease (CMT), is the most commonly inherited peripheral polyneuropathy. It constitutes a group of inherited, progressive, motor and sensory peripheral nerve disorders with properties of demyelination, axonal degeneration, or both. It is classified by clinical characteristics, modes of inheritance, electrophysiologic features, metabolic defects, and specific gene markers. Our patients all walk on tiptoe, so they show similar symptoms. When we genetically test them with our toe walking panel, we find that around 90 per cent of them have a genetic variant that explains their toe walking. These can be assigned, for example, to the area of myopathies (such as variants of the COL6A3 gene), the area of hereditary neuropathies (such as variants of the KMT2C gene) or the area of metabolic diseases (such as variants of the PYGM gene). In a smaller group of patients with almost identical symptoms, no abnormality is found in the genes of our panel, but spastic paraplegia can be detected. In another small group of our toe walkers, no abnormalities can be detected in the genes analysed in our toe walking panel, nor do they suffer from spastic paraplegia, as is also the case with healthy children. In contrast to these, however, they show a tiptoe gait. These patients suffer from infantile cerebral palsy, in which toe walking can also be observed.
ClinVar note: Notes: This gene has insufficient supporting evidence for isolated Tip-Toe Gait.
ClinVar note: Reason: Claim with insufficient supporting evidence

Literature cited by the submitters: PubMed 37091313.

NM_002972.4(SBF1):c.1783C>T (p.Arg595Ter)

Gene: SBF1 (SET binding factor 1; minus strand). Cytogenetic location: 22q13.33.
Variant type: single nucleotide variant.
Coding change: c.1783C>T on transcript NM_002972.4 (MANE Select); coding-DNA position 1783, C replaced by T.
Protein change: p.Arg595Ter; replaces arginine 595 with a stop codon.
Molecular consequence: nonsense.
Genome position (GRCh38, 1-based): chr22:50,463,399, G>A on the plus strand (C>T on the coding strand, the complement: SBF1 is on the minus strand). VCF-style: chr22-50463399-G-A. GRCh37 (hg19) VCF-style: chr22-50901828-G-A.
Other names: c.1786C>T, p.Arg596Ter (NM_001365819.1, NM_001410794.1); c.1783C>T, p.Arg595Ter (NM_001410795.1, NM_197971.1); short protein forms R595*, R596*.
Identifiers: ClinVar variation 2574630 (VCV002574630.2), dbSNP rs1569512949, ClinGen allele CA412215363.
Genomic context (GRCh38, chr22:50,463,399, plus strand): 5'-CCGCACGGTTCTGCTGCACATGCAGGTGCAGCTCCTGGGCGAGGCAGCGGCGGGCAGCTC[G>A]CCCCTTCAGGGCCCTCAACACGGCTGGGAGCAGCTGGGGGTGGGGAAAGGAGACACGGGC-3'